The following is an entry in ClinVar:

ClinVar aggregate classification (germline): Uncertain significance (1 of 4 stars; one submission).

gnomAD v4.1: 14 of 1,613,822 alleles (0.00087%); highest among the groups gnomAD compares: Non-Finnish European, 0.0011%; no homozygotes.

Submission:

Labcorp Genetics (formerly Invitae), Labcorp
Classification: Uncertain significance. Last evaluated: 2025-05-02. Review status: criteria provided, single submitter. Criteria: Invitae Variant Classification Sherloc (09022015). Collection method: clinical testing. Allele origin: germline.
Comment: This sequence change replaces arginine, which is basic and polar, with cysteine, which is neutral and slightly polar, at codon 84 of the WNT3A protein (p.Arg84Cys). This variant is present in population databases (rs757565394, gnomAD 0.004%). This variant has not been reported in the literature in individuals affected with WNT3A-related conditions. Invitae Evidence Modeling of protein sequence and biophysical properties (such as structural, functional, and spatial information, amino acid conservation, physicochemical variation, residue mobility, and thermodynamic stability) indicates that this missense variant is expected to disrupt WNT3A protein function with a positive predictive value of 80%. In summary, the available evidence is currently insufficient to determine the role of this variant in disease. Therefore, it has been classified as a Variant of Uncertain Significance.

NM_033131.4(WNT3A):c.250C>T (p.Arg84Cys)

Gene: WNT3A (Wnt family member 3A; plus strand). Cytogenetic location: 1q42.13.
Variant type: single nucleotide variant.
Coding change: c.250C>T on transcript NM_033131.4 (MANE Select); coding-DNA position 250, C replaced by T.
Protein change: p.Arg84Cys; replaces arginine 84 with cysteine.
Molecular consequence: missense variant.
Genome position (GRCh38, 1-based): chr1:228,022,845, C>T. VCF-style: chr1-228022845-C-T. GRCh37 (hg19) VCF-style: chr1-228210546-C-T.
Other names: short protein forms R84C.
Identifiers: ClinVar variation 4693487 (VCV004693487.1).